The following is an entry in ClinVar:

NM_000256.3(MYBPC3):c.2578_2590dup (p.Phe864fs)

Gene: MYBPC3 (myosin binding protein C3; minus strand). Cytogenetic location: 11p11.2.
Variant type: Duplication.
Coding change: c.2578_2590dup on transcript NM_000256.3 (MANE Select); coding-DNA positions 2578 to 2590, 13 bases duplicated (GCCTCCCAGCCCT).
Protein change: p.Phe864fs; shifts the reading frame from phenylalanine 864.
Molecular consequence: frameshift variant.
Genome position (GRCh38, 1-based): chr11:47,337,403-47,337,415, AGGGCTGGGAGGC duplicated on the plus strand (GCCTCCCAGCCCT on the coding strand, the reverse complement: MYBPC3 is on the minus strand); duplicating any 13 consecutive bases within chr11:47,337,403-47,337,424 gives the same sequence; the c. name uses the placement nearest the transcript's 3' end. VCF-style (leftmost placement, unchanged base first): chr11-47337402-A-AAGGGCTGGGAGGC. GRCh37 (hg19) VCF-style: chr11-47358953-A-AAGGGCTGGGAGGC.
Other names: p.Phe864Cysfs*24; short protein forms F864fs.
Identifiers: ClinVar variation 1454685 (VCV001454685.12), dbSNP rs2142855105, ClinGen allele CA923726187.

ClinVar aggregate classification (germline): Pathogenic/Likely pathogenic. Review status: criteria provided, multiple submitters, no conflicts (2 of 4 stars). 4 submissions from 4 submitters: Pathogenic (2); Likely pathogenic (2). Last evaluated 2026-07-08.

Conditions:
Hypertrophic cardiomyopathy. Also called: HYPERTROPHIC MYOCARDIOPATHY. Identifiers: Orphanet 217569, MedGen C0007194, MeSH D002312, MONDO:0005045, HP:0001639.
MYBPC3-related disorder. Also called: MYBPC3-related disorders; MYBPC3-related condition; MYBPC3-related disease.
Hypertrophic cardiomyopathy 4. Also called: Familial hypertrophic cardiomyopathy 4. Identifiers: MedGen C1861862, MONDO:0007268, OMIM 115197.

Submissions (4):

Victorian Clinical Genetics Services, Murdoch Childrens Research Institute
Classification: Pathogenic for Hypertrophic cardiomyopathy 4. Last evaluated: 2026-07-08. Review status: criteria provided, single submitter. Criteria: ACMG Guidelines, 2015. Collection method: clinical testing. Allele origin: germline. Affected: yes.
Comment: This variant is classified as Pathogenic. Evidence in support of pathogenic classification: Variant is predicted to cause nonsense-mediated decay (NMD) and loss of protein (premature termination codon is located at least 54 nucleotides upstream of the final exon-exon junction); Variant is absent from gnomAD (v2, v3 and v4); This variant has moderate previous evidence of pathogenicity in unrelated individuals. It has been classified as pathogenic in at least one heterozygous individual with hypertrophic cardiomyopathy (VCGS cohort), as well as pathogenic and likely pathogenic by other clinical laboratories (ClinVar); Other NMD-predicted variants comparable to the one identified in this case have very strong previous evidence for pathogenicity (DECIPHER). Additional information: This variant is heterozygous; This gene is associated with both recessive and dominant disease. Dominant inheritance is frequently reported in adult onset conditions and recessive inheritance results in a more severe early onset phenotype (OMIM); Loss of function is a known mechanism of disease in this gene and is associated with hypertrophic cardiomyopathy 4 (HCM; MIM#115197) - Variants in this gene are known to have variable expressivity (PMID: 32841044); Inheritance information for this variant is not currently available in this individual.

Labcorp Genetics (formerly Invitae), Labcorp
Classification: Pathogenic for Hypertrophic cardiomyopathy. Last evaluated: 2021-10-21. Review status: criteria provided, single submitter. Criteria: Invitae Variant Classification Sherloc (09022015). Collection method: clinical testing. Allele origin: germline.
Comment: This sequence change creates a premature translational stop signal (p.Phe864Cysfs*24) in the MYBPC3 gene. It is expected to result in an absent or disrupted protein product. This variant is not present in population databases (ExAC no frequency). This variant has not been reported in the literature in individuals with MYBPC3-related conditions. Algorithms developed to predict the effect of sequence changes on RNA splicing suggest that this variant may create or strengthen a splice site, but this prediction has not been confirmed by published transcriptional studies. Loss-of-function variants in MYBPC3 are known to be pathogenic (PMID: 19574547). For these reasons, this variant has been classified as Pathogenic.

Blueprint Genetics
Classification: Likely pathogenic for MYBPC3-related disorders. Last evaluated: 2021-07-26. Review status: criteria provided, single submitter. Criteria: ACMG Guidelines, 2015. Collection method: clinical testing. Allele origin: germline. Affected: yes. Observed: 1 variant allele.

Clinical Genomics Laboratory, Stanford Medicine
Classification: Likely pathogenic for Hypertrophic cardiomyopathy 4. Last evaluated: 2021-05-04. Review status: criteria provided, single submitter. Criteria: ACMG Guidelines, 2015. Collection method: clinical testing. Allele origin: germline. Affected: yes. Observed: 1 heterozygote.
Comment: The p.Phe864Cysfs*24 variant in the MYBPC3 gene has not been previously reported in association with disease. This variant was absent from large population databases, including the Genome Aggregation Database. The p.Phe864Cysfs*24 variant results in a 13 bp duplication in exon 25 of 35 exons, which causes a shift in the protein reading frame, leading to a premature termination codon 24 amino acids downstream. Heterozygous loss-of-function is an established mechanism of disease for the MYBPC3 gene (Helms et al., 2020). These data were assessed using the ACMG/AMP variant interpretation guidelines. In summary, there is sufficient evidence to classify the p.Phe864Cysfs*24 variant as likely pathogenic for MYBPC3-related cardiomyopathy in an autosomal dominant manner based on the information above. [ACMG evidence codes used: PVS1; PM2]

Literature cited by the submitters: PubMed 32841044 (cited by Victorian Clinical Genetics Services, Murdoch Childrens Research Institute); PubMed 19574547 (cited by Labcorp Genetics (formerly Invitae), Labcorp).